The following is an entry in ClinVar:

ClinVar aggregate classification (germline): Likely benign (1 of 4 stars; one submission).

Conditions:
ADAMTSL2-related disorder. Also called: ADAMTSL2-related condition.

gnomAD v4.1: 2 of 1,613,006 alleles (0.00012%); highest among the groups gnomAD compares: Non-Finnish European, 0.000085%; no homozygotes.

Submission:

PreventionGenetics, part of Exact Sciences
Classification: Likely benign for ADAMTSL2-related condition. Last evaluated: 2026-04-13. Review status: criteria provided, single submitter. Criteria: ACMG Guidelines, 2015. Collection method: clinical testing. Allele origin: germline.
Comment: This variant is classified as likely benign based on ACMG/AMP sequence variant interpretation guidelines (Richards et al. 2015 PMID: 25741868, with internal and published modifications).

NM_014694.4(ADAMTSL2):c.309+3G>A

Gene: ADAMTSL2 (ADAMTS like 2; plus strand). Cytogenetic location: 9q34.2.
Variant type: single nucleotide variant.
Coding change: c.309+3G>A on transcript NM_014694.4 (MANE Select); 3 bases into the intron after coding-DNA position 309, G replaced by A.
Molecular consequence: intron variant.
Genome position (GRCh38, 1-based): chr9:133,538,427, G>A. VCF-style: chr9-133538427-G-A. GRCh37 (hg19) VCF-style: chr9-136403549-G-A.
Other names: c.309+3G>A (NM_001145320.2).
Identifiers: ClinVar variation 4979764 (VCV004979764.1).
Genomic context (GRCh38, chr9:133,538,427, plus strand): 5'-CCCCGGGAACAGGACCTGCACGGGCACGTCCAAGCGGTACCAGCTCTGCAGAGTGCAGGT[G>A]AGGCCCGGCCCGGGCAGGGGCACCATGGCCTGCTCTCCCTGTCATCATGCAGTTTTCAGG-3'